The following is an entry in ClinVar:

ClinVar aggregate classification (germline): Uncertain significance (1 of 4 stars; one submission).

Submission:

Labcorp Genetics (formerly Invitae), Labcorp
Classification: Uncertain significance. Last evaluated: 2024-01-17. Review status: criteria provided, single submitter. Criteria: Invitae Variant Classification Sherloc (09022015). Collection method: clinical testing. Allele origin: germline.
Comment: This sequence change replaces histidine, which is basic and polar, with asparagine, which is neutral and polar, at codon 118 of the DENND5A protein (p.His118Asn). This variant is not present in population databases (gnomAD no frequency). This variant has not been reported in the literature in individuals affected with DENND5A-related conditions. ClinVar contains an entry for this variant (Variation ID: 2060873). Advanced modeling of protein sequence and biophysical properties (such as structural, functional, and spatial information, amino acid conservation, physicochemical variation, residue mobility, and thermodynamic stability) performed at Invitae indicates that this missense variant is expected to disrupt DENND5A protein function with a positive predictive value of 80%. In summary, the available evidence is currently insufficient to determine the role of this variant in disease. Therefore, it has been classified as a Variant of Uncertain Significance.

NM_015213.4(DENND5A):c.352C>A (p.His118Asn)

Gene: DENND5A (DENN domain containing 5A; minus strand). Cytogenetic location: 11p15.4.
Variant type: single nucleotide variant.
Coding change: c.352C>A on transcript NM_015213.4 (MANE Select); coding-DNA position 352, C replaced by A.
Protein change: p.His118Asn; replaces histidine 118 with asparagine.
Molecular consequence: missense variant. On other transcripts: non-coding transcript variant (1).
Genome position (GRCh38, 1-based): chr11:9,204,257, G>T on the plus strand (C>A on the coding strand, the complement: DENND5A is on the minus strand). VCF-style: chr11-9204257-G-T. GRCh37 (hg19) VCF-style: chr11-9225804-G-T.
Other names: c.352C>A, p.His118Asn (NM_001243254.2, NM_001348748.1); c.280C>A, p.His94Asn (NM_001348749.2); c.64C>A, p.His22Asn (NM_001348750.2); short protein forms H118N, H94N, H22N.
Identifiers: ClinVar variation 2060873 (VCV002060873.4), dbSNP rs1849620627, ClinGen allele CA379600353.